The following is an entry in ClinVar:

NM_016955.4(SEPSECS):c.835del (p.Val279fs)

Gene: SEPSECS (Sep (O-phosphoserine) tRNA:Sec (selenocysteine) tRNA synthase; minus strand). Cytogenetic location: 4p15.2.
Variant type: Deletion.
Coding change: c.835del on transcript NM_016955.4 (MANE Select); coding-DNA position 835, one base deleted (G; older notation c.835delG).
Protein change: p.Val279fs; shifts the reading frame from valine 279.
Molecular consequence: frameshift variant.
Genome position (GRCh38, 1-based): chr4:25,145,103, C deleted on the plus strand (G on the coding strand, the reverse complement: SEPSECS is on the minus strand). VCF-style (leftmost placement, unchanged base first): chr4-25145102-AC-A. GRCh37 (hg19) VCF-style: chr4-25146724-AC-A.
Other names: c.835delG (NM_016955.3); short protein forms V279fs.
Identifiers: ClinVar variation 1069394 (VCV001069394.10), dbSNP rs761035878, ClinGen allele CA2877330.

ClinVar aggregate classification (germline): Pathogenic/Likely pathogenic. Review status: criteria provided, multiple submitters, no conflicts (2 of 4 stars). 3 submissions from 3 submitters: Pathogenic (1); Likely pathogenic (2). Last evaluated 2026-01-12.

Conditions:
Pontocerebellar hypoplasia type 2D (PCH2D). Also called: Progressive cerebello-cerebral atrophy. Identifiers: Orphanet 247198, Orphanet 2524, MedGen C3151140, MONDO:0013438, OMIM 613811.

Allele frequency attached by ClinVar (database versions not stated): TOPMed below 0.00001; gnomAD exomes 0.00001; ExAC 0.00002.

Submissions (3):

Labcorp Genetics (formerly Invitae), Labcorp
Classification: Pathogenic. Last evaluated: 2026-01-12. Review status: criteria provided, single submitter. Criteria: Invitae Variant Classification Sherloc (09022015). Collection method: clinical testing. Allele origin: germline.
Comment: This sequence change creates a premature translational stop signal (p.Val279Phefs*12) in the SEPSECS gene. It is expected to result in an absent or disrupted protein product. Loss-of-function variants in SEPSECS are known to be pathogenic (PMID: 25558065, 25590979, 26115735). This variant is present in population databases (rs761035878, gnomAD 0.002%). This variant has not been reported in the literature in individuals affected with SEPSECS-related conditions. ClinVar contains an entry for this variant (Variation ID: 1069394). Algorithms developed to predict the effect of sequence changes on RNA splicing suggest that this variant may disrupt the consensus splice site. For these reasons, this variant has been classified as Pathogenic.

Natera, Inc.
Classification: Likely pathogenic for Pontocerebellar hypoplasia type 2d. Last evaluated: 2025-01-12. Review status: criteria provided, single submitter. Criteria: Natera Variant Classification Schema (03/2026). Collection method: clinical testing. Allele origin: germline.
Comment: The c.835delG variant in SEPSECS is a frameshift variant predicted to shift the reading frame beginning at codon 279 and leads to a stop codon 12 codons downstream. This variant is expected to result in nonsense mediated decay, truncation, or a dysfunctional protein product. This variant is rare in the general population with a frequency below the threshold expected for the associated phenotype(s). Given the available evidence, this variant is classified as Likely Pathogenic.

Fulgent Genetics
Classification: Likely pathogenic for Pontocerebellar hypoplasia type 2D. Last evaluated: 2024-03-07. Review status: criteria provided, single submitter. Criteria: ACMG Guidelines, 2015. Collection method: clinical testing. Allele origin: germline.

Literature cited by the submitters: PubMed 25558065 (cited by Labcorp Genetics (formerly Invitae), Labcorp); PubMed 25590979 (cited by Labcorp Genetics (formerly Invitae), Labcorp); PubMed 26115735 (cited by Labcorp Genetics (formerly Invitae), Labcorp).